The following is an entry in ClinVar:

ClinVar aggregate classification (germline): Likely pathogenic. Review status: reviewed by expert panel (3 of 4 stars). 5 submissions from 5 submitters: Likely pathogenic (1). 4 of the submissions do not count toward it. Last evaluated 2026-08-26.

Conditions:
Primary congenital glaucoma. Also called: Primary congenital glaucoma (disease). Identifiers: MedGen C1533041, MONDO:0000365, HP:0008007.
CYP1B1-related glaucoma with or without anterior segment dysgenesis. Identifiers: MedGen CN375931, MONDO:0800472.
Congenital glaucoma. Identifiers: MedGen C0020302, MONDO:0020366.
Anterior segment dysgenesis 6 (ASGD6). Also called: Anterior segment dysgenesis 6, multiple subtypes. Identifiers: MedGen C4310623, MONDO:0015016, OMIM 617315.
CYP1B1-related disorder. Also called: CYP1B1-Related Disorders. Identifiers: MedGen CN239260.

Submissions (5):

ClinGen Glaucoma Variant Curation Expert Panel
Classification: Likely pathogenic for CYP1B1-related glaucoma with or without anterior segment dysgenesis. Last evaluated: 2026-08-26. Review status: reviewed by expert panel. Criteria: ClinGen Glaucoma ACMG Specifications CYP1B1 V2.0. Collection method: curation. Allele origin: germline. Inheritance: Autosomal recessive inheritance.
Comment: The c.988_989delinsTT variant in CYP1B1 is a missense variant predicted to cause substitution of Alanine by Phenylalanine at amino acid 330 (p.Ala330Phe). This variant was not found in any genetic ancestry group of gnomAD (v4.1.0), meeting the ≤ 0.0005 threshold set for PM2_Supporting in a genetic ancestry group of at least 2,000 alleles. The AlphaMissense score = 0.881, which met the ≥ 0.792 threshold for PP3, predicting a damaging effect on CYP1B1 function. PS3_Supporting was not applied as the assay reported in PMID: 18622259 did not meet the OddsPath threshold (> 2.1). 1 affected segregation with a CYP1B1-related phenotype has been reported (Cao pers com), which fulfilled PP1. This variant has been identified in five individuals with a CYP1B1-related phenotype. These individuals are compound heterozygous for the variant and a pathogenic or likely pathogenic variant (1 confirmed in trans and 4 phase unknown) (PMIDs: 21850185, 11527932, 31236345, Cao pers com). Total proband points = 3, meeting PM3_Strong. In summary, this variant met the criteria to receive a score of 7 and to be classified as likely pathogenic (likely pathogenic classification range 6 to 9, adapted from PMID: 32720330) for CYP1B1-related glaucoma with or without anterior segment dysgenesis (ASD) based on the ACMG/AMP criteria met, as specified by the ClinGen Glaucoma VCEP (v2.0, 16.07.2026): PM3_Strong, PP1, PP3, PM2_Supporting.

PreventionGenetics, part of Exact Sciences
Classification: Likely pathogenic for CYP1B1-related condition. Last evaluated: 2026-06-02. Review status: criteria provided, single submitter. Criteria: ACMG Guidelines, 2015. Collection method: clinical testing. Allele origin: germline. Not counted in ClinVar's aggregate classification.
Comment: The CYP1B1 c.988_989delinsTT variant is predicted to result in an in-frame deletion and insertion. This variant has been reported in the compound heterozygous state in individuals with primary congenital glaucoma (Mashima et al. 2001. PubMed ID: 11527932; Kim et al. 2011. PubMed ID: 21850185; Song et al. 2019. PubMed ID: 31236345). A functional study using protein expression and purification found that the p.Ala330Phe substitution affects protein function (Choudhary et al. 2008. PubMed ID: 18622259). This variant is absent in a large population database (gnomAD), indicating this variant is rare. This variant is interpreted as likely pathogenic.

Baylor Genetics
Classification: Pathogenic for Anterior segment dysgenesis 6. Last evaluated: 2024-03-03. Review status: criteria provided, single submitter. Criteria: ACMG Guidelines, 2015. Collection method: clinical testing. Allele origin: unknown. Not counted in ClinVar's aggregate classification.

Labcorp Genetics (formerly Invitae), Labcorp
Classification: Pathogenic for Congenital glaucoma. Last evaluated: 2024-01-25. Review status: criteria provided, single submitter. Criteria: Invitae Variant Classification Sherloc (09022015). Collection method: clinical testing. Allele origin: germline. Not counted in ClinVar's aggregate classification.
Comment: This sequence change replaces alanine, which is neutral and non-polar, with phenylalanine, which is neutral and non-polar, at codon 330 of the CYP1B1 protein (p.Ala330Phe). Information on the frequency of this variant in the gnomAD database is not available, as this variant may be reported differently in the database. This missense change has been observed in individual(s) with primary congenital glaucoma (PMID: 11527932, 21850185, 22942166, 31236345). ClinVar contains an entry for this variant (Variation ID: 2203049). An algorithm developed to predict the effect of missense changes on protein structure and function (PolyPhen-2) suggests that this variant is likely to be disruptive. Experimental studies have shown that this missense change affects CYP1B1 function (PMID: 18622259). For these reasons, this variant has been classified as Pathogenic.

Women's Health and Genetics/Laboratory Corporation of America, LabCorp
Classification: Pathogenic for Primary congenital glaucoma. Last evaluated: 2023-08-02. Review status: criteria provided, single submitter. Criteria: LabCorp Variant Classification Summary - May 2015. Collection method: clinical testing. Allele origin: germline. Not counted in ClinVar's aggregate classification.
Comment: Variant summary: CYP1B1 c.988_989delinsTT (p.Ala330Phe) results in a non-conservative amino acid change in the encoded protein sequence. Two of three in-silico tools predict a benign effect of the variant on protein function. The variant was absent in 249078 control chromosomes (gnomAD). c.988_989delinsTT has been reported in the literature in individuals affected with Primary Congenital Glaucoma (Song_2019, Kim_2011, Macshima_2001). At least one publication reports experimental evidence indicating a severe decrease in metabolic activity (Choudhary_2008). The following publications have been ascertained in the context of this evaluation (PMID: 18622259, 21850185, 31236345, 11527932). One submitter has cited clinical-significance assessments for this variant to ClinVar after 2014 and has classified the variant as likely pathogenic. Based on the evidence outlined above, the variant was classified as pathogenic.

Literature cited by the submitters: PubMed 11527932 (cited by Labcorp Genetics (formerly Invitae), Labcorp and Women's Health and Genetics/Laboratory Corporation of America, LabCorp); PubMed 21850185 (cited by Labcorp Genetics (formerly Invitae), Labcorp and Women's Health and Genetics/Laboratory Corporation of America, LabCorp); PubMed 22942166 (cited by Labcorp Genetics (formerly Invitae), Labcorp); PubMed 31236345 (cited by Labcorp Genetics (formerly Invitae), Labcorp and Women's Health and Genetics/Laboratory Corporation of America, LabCorp); PubMed 18622259 (cited by Labcorp Genetics (formerly Invitae), Labcorp and Women's Health and Genetics/Laboratory Corporation of America, LabCorp).

NM_000104.4(CYP1B1):c.988_989delinsTT (p.Ala330Phe)

Gene: CYP1B1 (cytochrome P450 family 1 subfamily B member 1; minus strand). Cytogenetic location: 2p22.2.
Variant type: Indel.
Coding change: c.988_989delinsTT on transcript NM_000104.4 (MANE Select); coding-DNA positions 988 to 989, GC replaced by TT.
Protein change: p.Ala330Phe; replaces alanine 330 with phenylalanine.
Molecular consequence: missense variant.
Genome position (GRCh38, 1-based): chr2:38,074,400-38,074,401, GC replaced by AA on the plus strand (GC replaced by TT on the coding strand, the reverse complement: CYP1B1 is on the minus strand). VCF-style: chr2-38074400-GC-AA. GRCh37 (hg19) VCF-style: chr2-38301543-GC-AA.
Other names: NM_000104.4(CYP1B1):c.988_989delinsTT; p.Ala330Phe; c.988_989delinsTT (NM_000104.3); short protein forms A330F.
Identifiers: ClinVar variation 2203049 (VCV002203049.8), dbSNP rs2465882994, ClinGen allele CA2580066423.
Genomic context (GRCh38, chr2:38,074,400, plus strand): 5'-CTTTACCTGGTGAAGAGGAGGAGCAGCCACTGCAGCGCGGTGGACAGGGTGTCCTGGCTG[GC>AA]GCCGAAGATGTCAGTGATAGTGGCCGGTACGTTCTCCAAATCCAGCCGCGCGCCACCACC-3'
Protein context (NP_000095.2, residues 320-340): VPATITDIFG[Ala330Phe]SQDTLSTALQ